The following is an entry in ClinVar:

NM_000137.4(FAH):c.455+9T>C

Gene: FAH (fumarylacetoacetate hydrolase; plus strand). Cytogenetic location: 15q25.1.
Variant type: single nucleotide variant.
Coding change: c.455+9T>C on transcript NM_000137.4 (MANE Select); 9 bases into the intron after coding-DNA position 455, T replaced by C.
Molecular consequence: intron variant.
Genome position (GRCh38, 1-based): chr15:80,162,345, T>C. VCF-style: chr15-80162345-T-C. GRCh37 (hg19) VCF-style: chr15-80454687-T-C.
Other names: c.455+9T>C (NM_001374377.1, NM_001374380.1).
Identifiers: ClinVar variation 507801 (VCV000507801.20), dbSNP rs531129429, ClinGen allele CA7691163.
Genomic context (GRCh38, chr15:80,162,345, plus strand): 5'-CCAACGTCGGAATCATGTTCAGGGACAAGGAGAATGCGTTGATGCCAAATTGGTATGAAC[T>C]GGGCCAAATGTCTGCATAAGTTCAAAGTCTTTCTTTTCATTTCCAGCAGCATATTTGTCT-3'

ClinVar aggregate classification (germline): Conflicting classifications of pathogenicity. Review status: criteria provided, conflicting classifications (1 of 4 stars). 5 submissions from 5 submitters: Uncertain significance (1); Benign (1); Likely benign (1). 2 of the submissions do not count toward it. Last evaluated 2025-06-02.

Conditions:
Tyrosinemia type I (TYRSN1). Also called: FAH DEFICIENCY; Tyrosinemia type 1; Fumarylacetoacetase deficiency; Deficiency of fumarylacetoacetase; HEPATORENAL TYROSINEMIA. Identifiers: Orphanet 882, MedGen C0268490, MONDO:0010161, OMIM 276700. Disease mechanism: loss of function.
FAH-related disorder. Also called: FAH-related condition.

Allele frequency attached by ClinVar (database versions not stated): gnomAD below 0.00001 and 0.00006; TOPMed 0.00003; gnomAD exomes 0.00008 and 0.00012; ExAC 0.00015; 1000 Genomes Project 30x 0.00031; 1000 Genomes Project 0.00040.
gnomAD v4.1: 133 of 1,605,166 alleles (0.0083%); highest among the groups gnomAD compares: South Asian, 0.12%; 1 homozygote.

Submissions (5):

Labcorp Genetics (formerly Invitae), Labcorp
Classification: Benign for Tyrosinemia type I. Last evaluated: 2025-06-02. Review status: criteria provided, single submitter. Criteria: Invitae Variant Classification Sherloc (09022015). Collection method: clinical testing. Allele origin: germline.

Illumina Laboratory Services, Illumina
Classification: Uncertain significance for Tyrosinemia type I. Last evaluated: 2018-01-12. Review status: criteria provided, single submitter. Criteria: ICSL Variant Classification Criteria 13 December 2019. Collection method: clinical testing. Allele origin: germline.

GeneDx
Classification: Likely benign. Last evaluated: 2017-03-10. Review status: criteria provided, single submitter. Criteria: GeneDx Variant Classification (06012015). Collection method: clinical testing. Allele origin: germline. Affected: yes.
Comment: This variant is considered likely benign or benign based on one or more of the following criteria: it is a conservative change, it occurs at a poorly conserved position in the protein, it is predicted to be benign by multiple in silico algorithms, and/or has population frequency not consistent with disease.

PreventionGenetics, part of Exact Sciences
Classification: Likely benign for FAH-related condition. Last evaluated: 2023-12-05. Review status: no assertion criteria provided. Collection method: clinical testing. Allele origin: germline. Not counted in ClinVar's aggregate classification.
Comment: This variant is classified as likely benign based on ACMG/AMP sequence variant interpretation guidelines (Richards et al. 2015 PMID: 25741868, with internal and published modifications).

Natera, Inc.
Classification: Likely benign for Tyrosinemia type I. Last evaluated: 2020-04-18. Review status: no assertion criteria provided. Collection method: clinical testing. Allele origin: germline. Not counted in ClinVar's aggregate classification.